The following is an entry in ClinVar:

NM_000368.5(TSC1):c.2103G>A (p.Gln701=)

Gene: TSC1 (TSC complex subunit 1; minus strand). Cytogenetic location: 9q34.13.
Variant type: single nucleotide variant.
Coding change: c.2103G>A on transcript NM_000368.5 (MANE Select); coding-DNA position 2103, G replaced by A.
Protein change: p.Gln701=; no amino-acid change (glutamine 701 retained).
Molecular consequence: synonymous variant.
Genome position (GRCh38, 1-based): chr9:132,903,756, C>T on the plus strand (G>A on the coding strand, the complement: TSC1 is on the minus strand). VCF-style: chr9-132903756-C-T. GRCh37 (hg19) VCF-style: chr9-135779143-C-T.
Other names: c.2100G>A, p.Gln700= (NM_001162426.2); c.1950G>A, p.Gln650= (NM_001162427.2); c.1740G>A, p.Gln580= (NM_001362177.2).
Identifiers: ClinVar variation 1099949 (VCV001099949.16), dbSNP rs118203639, ClinGen allele CA467590725.

ClinVar aggregate classification (germline): Conflicting classifications of pathogenicity. Review status: criteria provided, conflicting classifications (1 of 4 stars). 6 submissions from 6 submitters: Uncertain significance (2); Benign (1); Likely benign (3). Last evaluated 2025-11-18.

Conditions:
Hereditary cancer-predisposing syndrome. Also called: Neoplastic Syndromes, Hereditary; Hereditary neoplastic syndrome; Hereditary Cancer Syndrome; Tumor predisposition. Identifiers: Orphanet 140162, MedGen C0027672, MeSH D009386, MONDO:0015356.
Tuberous sclerosis 1 (TSC1). Identifiers: Orphanet 805, MedGen C1854465, MONDO:0008612, OMIM 191100.

Allele frequency attached by ClinVar (database versions not stated): gnomAD exomes below 0.00001; TOPMed below 0.00001.
gnomAD v4.1: 2 of 1,613,860 alleles (0.00012%); highest among the groups gnomAD compares: Non-Finnish European, 0.00017%; no homozygotes.

Submissions (6):

Labcorp Genetics (formerly Invitae), Labcorp
Classification: Likely benign for Tuberous sclerosis 1. Last evaluated: 2025-11-18. Review status: criteria provided, single submitter. Criteria: Invitae Variant Classification Sherloc (09022015). Collection method: clinical testing. Allele origin: germline.

Myriad Genetics, Inc.
Classification: Benign for Tuberous sclerosis 1. Last evaluated: 2025-04-24. Review status: criteria provided, single submitter. Criteria: Myriad Autosomal Dominant, Autosomal Recessive and X-Linked Classification Criteria (2023). Collection method: clinical testing. Allele origin: unknown.
Comment: This variant is considered benign. This variant is a silent/synonymous amino acid change and it is not expected to impact splicing.

Sema4
Classification: Uncertain significance for Hereditary cancer-predisposing syndrome. Last evaluated: 2022-02-04. Review status: criteria provided, single submitter. Criteria: Sema4 Curation Guidelines. Collection method: curation. Allele origin: germline.
Comment: The TSC1 c.2103G>A (p.Q701=) variant has not been reported in the literature to our knowledge. It was not observed in the large and broad cohorts of the Genome Aggregation Database (PMID: 32461654). This variant has been reported in ClinVar (Variation ID 1099949). The nucleotide is conserved and in silico tools that predict the effect of sequence changes on splicing suggest that this variant does not impact splicing, though these predictions have not been confirmed by functional studies. The evidence is insufficient to meet ACMG/AMP criteria for classifying the variant as benign or pathogenic. Thus, the clinical significance of this variant is currently uncertain.

Genome-Nilou Lab
Classification: Likely benign for Tuberous sclerosis 1. Last evaluated: 2021-11-07. Review status: criteria provided, single submitter. Criteria: ACMG Guidelines, 2015. Collection method: clinical testing. Allele origin: germline. Affected: no.

Ambry Genetics
Classification: Likely benign for Hereditary cancer-predisposing syndrome. Last evaluated: 2021-04-15. Review status: criteria provided, single submitter. Criteria: Ambry Variant Classification Scheme 2023. Collection method: clinical testing. Allele origin: germline.

GeneDx
Classification: Uncertain significance. Last evaluated: 2019-05-02. Review status: criteria provided, single submitter. Criteria: GeneDx Variant Classification Process June 2021. Collection method: clinical testing. Allele origin: germline. Affected: yes.
Comment: Not observed in large population cohorts (Lek et al., 2016); Has not been previously published as pathogenic or benign to our knowledge